The following is an entry in ClinVar:

ClinVar aggregate classification (germline): Uncertain significance. Review status: criteria provided, multiple submitters, no conflicts (2 of 4 stars). 2 submissions from 2 submitters: Uncertain significance (2). Last evaluated 2024-12-06.

Conditions:
Inborn genetic diseases. Identifiers: MedGen C0950123, MeSH D030342.

Allele frequency attached by ClinVar (database versions not stated): gnomAD 0.00001; TOPMed 0.00001.
gnomAD v4.1: 14 of 1,614,030 alleles (0.00087%); highest among the groups gnomAD compares: Non-Finnish European, 0.0012%; no homozygotes.

Submissions (2):

Ambry Genetics
Classification: Uncertain significance for Inborn genetic diseases. Last evaluated: 2024-12-06. Review status: criteria provided, single submitter. Criteria: Ambry Variant Classification Scheme 2023. Collection method: clinical testing. Allele origin: germline.
Comment: The p.M229T variant (also known as c.686T>C), located in coding exon 1 of the SAMD9L gene, results from a T to C substitution at nucleotide position 686. The methionine at codon 229 is replaced by threonine, an amino acid with similar properties. This amino acid position is conserved. In addition, the in silico prediction for this alteration is inconclusive. Based on the available evidence, the clinical significance of this variant remains unclear.

Labcorp Genetics (formerly Invitae), Labcorp
Classification: Uncertain significance. Last evaluated: 2024-05-23. Review status: criteria provided, single submitter. Criteria: Invitae Variant Classification Sherloc (09022015). Collection method: clinical testing. Allele origin: germline.
Comment: This sequence change replaces methionine, which is neutral and non-polar, with threonine, which is neutral and polar, at codon 229 of the SAMD9L protein (p.Met229Thr). This variant is not present in population databases (gnomAD no frequency). This variant has not been reported in the literature in individuals affected with SAMD9L-related conditions. ClinVar contains an entry for this variant (Variation ID: 2532754). An algorithm developed to predict the effect of missense changes on protein structure and function (PolyPhen-2) suggests that this variant is likely to be disruptive. In summary, the available evidence is currently insufficient to determine the role of this variant in disease. Therefore, it has been classified as a Variant of Uncertain Significance.

NM_152703.5(SAMD9L):c.686T>C (p.Met229Thr)

Gene: SAMD9L (sterile alpha motif domain containing 9 like; minus strand). Cytogenetic location: 7q21.2.
Variant type: single nucleotide variant.
Coding change: c.686T>C on transcript NM_152703.5 (MANE Select); coding-DNA position 686, T replaced by C.
Protein change: p.Met229Thr; replaces methionine 229 with threonine.
Molecular consequence: missense variant.
Genome position (GRCh38, 1-based): chr7:93,135,286, A>G on the plus strand (T>C on the coding strand, the complement: SAMD9L is on the minus strand). VCF-style: chr7-93135286-A-G. GRCh37 (hg19) VCF-style: chr7-92764599-A-G.
Other names: c.686T>C, p.Met229Thr (NM_001303496.3, NM_001303497.3, NM_001303498.3 and 5 more transcripts); short protein forms M229T.
Identifiers: ClinVar variation 2532754 (VCV002532754.6), dbSNP rs1397481207, ClinGen allele CA368201589.
Genomic context (GRCh38, chr7:93,135,286, plus strand): 5'-ATTTCTCCATGGGGTTTGTCCTTGACTCCAAAATGGATGGTGCCATTGGTGCGTGAATTC[A>G]TACAAGCTGATGCAAATCGGAAGACTTCATTGCTGAATTTCATCTTAATGTCCACTTCCG-3'
Protein context (NP_689916.2, residues 219-239): NEVFRFASAC[Met229Thr]NSRTNGTIHF